The following is an entry in ClinVar:

NM_025132.4(WDR19):c.3608G>A (p.Arg1203Lys)

Gene: WDR19 (WD repeat domain 19; plus strand). Cytogenetic location: 4p14.
Variant type: single nucleotide variant.
Coding change: c.3608G>A on transcript NM_025132.4 (MANE Select); coding-DNA position 3608, G replaced by A.
Protein change: p.Arg1203Lys; replaces arginine 1203 with lysine.
Molecular consequence: missense variant.
Genome position (GRCh38, 1-based): chr4:39,274,850, G>A. VCF-style: chr4-39274850-G-A. GRCh37 (hg19) VCF-style: chr4-39276470-G-A.
Other names: c.3128G>A, p.Arg1043Lys (NM_001317924.2); short protein forms R1043K, R1203K.
Identifiers: ClinVar variation 3757927 (VCV003757927.2).

ClinVar aggregate classification (germline): Uncertain significance (1 of 4 stars; one submission).

Conditions:
Asphyxiating thoracic dystrophy 5 (SRTD5). Also called: SHORT-RIB THORACIC DYSPLASIA 5 WITH OR WITHOUT POLYDACTYLY; SHORT-RIB THORACIC DYSPLASIA 5 WITHOUT POLYDACTYLY. Identifiers: Orphanet 474, MedGen C3280598, MONDO:0013717, OMIM 614376.
Senior-Loken syndrome 8 (SLSN8). Identifiers: Orphanet 3156, MedGen C4225376, MONDO:0014579, OMIM 616307.

gnomAD v4.1: 2 of 1,614,008 alleles (0.00012%); highest among the groups gnomAD compares: East Asian, 0.0045%; no homozygotes.

Submission:

Labcorp Genetics (formerly Invitae), Labcorp
Classification: Uncertain significance for Senior-Loken syndrome 8; Asphyxiating thoracic dystrophy 5. Last evaluated: 2025-01-29. Review status: criteria provided, single submitter. Criteria: Invitae Variant Classification Sherloc (09022015). Collection method: clinical testing. Allele origin: germline.
Comment: This sequence change replaces arginine, which is basic and polar, with lysine, which is basic and polar, at codon 1203 of the WDR19 protein (p.Arg1203Lys). This variant is not present in population databases (gnomAD no frequency). This variant has not been reported in the literature in individuals affected with WDR19-related conditions. Invitae Evidence Modeling of protein sequence and biophysical properties (such as structural, functional, and spatial information, amino acid conservation, physicochemical variation, residue mobility, and thermodynamic stability) indicates that this missense variant is not expected to disrupt WDR19 protein function with a negative predictive value of 80%. In summary, the available evidence is currently insufficient to determine the role of this variant in disease. Therefore, it has been classified as a Variant of Uncertain Significance.